The following is an entry in ClinVar:

NM_001040108.2(MLH3):c.3376_3377AG[1] (p.Asp1127fs)

Gene: MLH3 (mutL homolog 3; minus strand). Cytogenetic location: 14q24.3.
Variant type: Microsatellite.
Coding change: c.3376_3377AG[1] on transcript NM_001040108.2 (MANE Select).
Protein change: p.Asp1127fs; shifts the reading frame from aspartic acid 1127.
Molecular consequence: frameshift variant.
Genome position: GRCh38 VCF-style: chr14-75042378-CCT-C. GRCh37 (hg19) VCF-style: chr14-75509081-CCT-C.
Other names: c.3376_3377AG[1], p.Asp1127Tyrfs (NM_001040108.1); c.3376_3377AG[1], p.Asp1127fs (NM_014381.3); c.3378_3379delAG (NM_001040108.1); short protein forms D1127fs.
Identifiers: ClinVar variation 3232540 (VCV003232540.2), dbSNP rs2503219273, ClinGen allele CA645593762.
Genomic context (GRCh38, chr14:75,042,378, plus strand): 5'-GTTTTTTGAGTTAGGTGGTACGATGTGTACTGTGTGCCCCAGCACTCTCTGCCACCCTTA[CCT>C]CTGTTATCCTGTCTCATCACAGTCCTCTCTGCTCGAGCTCTCGGAAGGAAAGGAAGAACA-3'

ClinVar aggregate classification (germline): Pathogenic (1 of 4 stars; one submission).

Submission:

Ambry Genetics
Classification: Pathogenic. Last evaluated: 2026-06-16. Review status: criteria provided, single submitter. Criteria: Ambry Variant Classification Scheme 2023. Collection method: clinical testing. Allele origin: germline.
Comment: The c.3378_3379delAG pathogenic mutation, located in coding exon 2 of the MLH3 gene, results from a deletion of two nucleotides at nucleotide positions 3378 to 3379, causing a translational frameshift with a predicted alternate stop codon (p.D1127Yfs*4). This variant is considered to be rare based on population cohorts in the Genome Aggregation Database (gnomAD). This alteration is expected to result in loss of function by premature protein truncation or nonsense-mediated mRNA decay. As such, this alteration is interpreted as a disease-causing mutation.